The following is an entry in ClinVar:

ClinVar aggregate classification (germline): Uncertain significance. Review status: criteria provided, multiple submitters, no conflicts (2 of 4 stars). 2 submissions from 2 submitters: Uncertain significance (2). Last evaluated 2022-06-26.

Submissions (2):

Labcorp Genetics (formerly Invitae), Labcorp
Classification: Uncertain significance. Last evaluated: 2022-06-26. Review status: criteria provided, single submitter. Criteria: Invitae Variant Classification Sherloc (09022015). Collection method: clinical testing. Allele origin: germline.
Comment: This variant has not been reported in the literature in individuals affected with RECQL-related conditions. Algorithms developed to predict the effect of missense changes on protein structure and function are either unavailable or do not agree on the potential impact of this missense change (SIFT: "Deleterious"; PolyPhen-2: "Possibly Damaging"; Align-GVGD: "Class C0"). In summary, the available evidence is currently insufficient to determine the role of this variant in disease. Therefore, it has been classified as a Variant of Uncertain Significance. This sequence change replaces arginine, which is basic and polar, with isoleucine, which is neutral and non-polar, at codon 203 of the RECQL protein (p.Arg203Ile). This variant is not present in population databases (gnomAD no frequency).

Ambry Genetics
Classification: Uncertain significance. Last evaluated: 2021-04-19. Review status: criteria provided, single submitter. Criteria: Ambry Variant Classification Scheme 2023. Collection method: clinical testing. Allele origin: germline.
Comment: The p.R203I variant (also known as c.608G>T), located in coding exon 5 of the RECQL gene, results from a G to T substitution at nucleotide position 608. The arginine at codon 203 is replaced by isoleucine, an amino acid with similar properties. This amino acid position is not well conserved in available vertebrate species. In addition, this alteration is predicted to be tolerated by in silico analysis. Since supporting evidence is limited at this time, the clinical significance of this alteration remains unclear.

NM_002907.4(RECQL):c.608G>T (p.Arg203Ile)

Gene: RECQL (RecQ like helicase; minus strand). Cytogenetic location: 12p12.1.
Variant type: single nucleotide variant.
Coding change: c.608G>T on transcript NM_002907.4 (MANE Select); coding-DNA position 608, G replaced by T.
Protein change: p.Arg203Ile; replaces arginine 203 with isoleucine.
Molecular consequence: missense variant.
Genome position (GRCh38, 1-based): chr12:21,483,468, C>A on the plus strand (G>T on the coding strand, the complement: RECQL is on the minus strand). VCF-style: chr12-21483468-C-A. GRCh37 (hg19) VCF-style: chr12-21636402-C-A.
Other names: c.608G>T, p.Arg203Ile (NM_032941.3); short protein forms R203I.
Identifiers: ClinVar variation 1751504 (VCV001751504.7), dbSNP rs1006026925, ClinGen allele CA384127225.